The following is an entry in ClinVar:

NM_000057.4(BLM):c.3953A>G (p.Glu1318Gly)

Gene: BLM (BLM RecQ like helicase; plus strand). Cytogenetic location: 15q26.1.
Variant type: single nucleotide variant.
Coding change: c.3953A>G on transcript NM_000057.4 (MANE Select); coding-DNA position 3953, A replaced by G.
Protein change: p.Glu1318Gly; replaces glutamic acid 1318 with glycine.
Molecular consequence: missense variant.
Genome position (GRCh38, 1-based): chr15:90,811,283, A>G. VCF-style: chr15-90811283-A-G. GRCh37 (hg19) VCF-style: chr15-91354513-A-G.
Other names: c.3953A>G, p.Glu1318Gly (NM_001287246.2); c.3560A>G, p.Glu1187Gly (NM_001287247.2); c.2828A>G, p.Glu943Gly (NM_001287248.2); c.3953A>G (NM_000057.2); short protein forms E1187G, E1318G, E943G.
Identifiers: ClinVar variation 1484488 (VCV001484488.9), dbSNP rs2151199835, ClinGen allele CA393850855.

ClinVar aggregate classification (germline): Uncertain significance. Review status: criteria provided, multiple submitters, no conflicts (2 of 4 stars). 2 submissions from 2 submitters: Uncertain significance (2). Last evaluated 2024-02-13.

Conditions:
Hereditary cancer-predisposing syndrome. Also called: Hereditary neoplastic syndrome; Neoplastic Syndromes, Hereditary; Hereditary Cancer Syndrome; Tumor predisposition. Identifiers: Orphanet 140162, MedGen C0027672, MeSH D009386, MONDO:0015356.
Bloom syndrome (BLM). Also called: Bloom-Torre-Machacek syndrome. Identifiers: Orphanet 125, MedGen C0005859, MONDO:0008876, OMIM 210900.

Submissions (2):

Ambry Genetics
Classification: Uncertain significance for Hereditary cancer-predisposing syndrome. Last evaluated: 2024-02-13. Review status: criteria provided, single submitter. Criteria: Ambry Variant Classification Scheme 2023. Collection method: clinical testing. Allele origin: germline.
Comment: The p.E1318G variant (also known as c.3953A>G), located in coding exon 20 of the BLM gene, results from an A to G substitution at nucleotide position 3953. The glutamic acid at codon 1318 is replaced by glycine, an amino acid with similar properties. This amino acid position is conserved. In addition, this alteration is predicted to be tolerated by in silico analysis. Based on the available evidence, the clinical significance of this alteration remains unclear.

Labcorp Genetics (formerly Invitae), Labcorp
Classification: Uncertain significance for Bloom syndrome. Last evaluated: 2021-08-06. Review status: criteria provided, single submitter. Criteria: Invitae Variant Classification Sherloc (09022015). Collection method: clinical testing. Allele origin: germline.
Comment: In summary, the available evidence is currently insufficient to determine the role of this variant in disease. Therefore, it has been classified as a Variant of Uncertain Significance. Algorithms developed to predict the effect of missense changes on protein structure and function (SIFT, PolyPhen-2, Align-GVGD) all suggest that this variant is likely to be tolerated. This variant has not been reported in the literature in individuals affected with BLM-related conditions. This variant is not present in population databases (ExAC no frequency). This sequence change replaces glutamic acid with glycine at codon 1318 of the BLM protein (p.Glu1318Gly). The glutamic acid residue is moderately conserved and there is a moderate physicochemical difference between glutamic acid and glycine.